The following is an entry in ClinVar:

ClinVar aggregate classification (germline): Uncertain significance (1 of 4 stars; one submission).

Conditions:
Inborn genetic diseases. Identifiers: MedGen C0950123, MeSH D030342.

gnomAD v4.1: 2 of 1,614,102 alleles (0.00012%); highest among the groups gnomAD compares: Non-Finnish European, 0.000085%; no homozygotes.

Submission:

Ambry Genetics
Classification: Uncertain significance for Inborn genetic diseases. Last evaluated: 2025-03-29. Review status: criteria provided, single submitter. Criteria: Ambry Variant Classification Scheme 2023. Collection method: clinical testing. Allele origin: germline.
Comment: The p.P174A variant (also known as c.520C>G), located in coding exon 5 of the ETV6 gene, results from a C to G substitution at nucleotide position 520. The proline at codon 174 is replaced by alanine, an amino acid with highly similar properties. This amino acid position is conserved. In addition, the in silico prediction for this alteration is inconclusive. Based on the available evidence, the clinical significance of this variant remains unclear.

NM_001987.5(ETV6):c.520C>G (p.Pro174Ala)

Gene: ETV6 (ETS variant transcription factor 6; plus strand). Cytogenetic location: 12p13.2.
Variant type: single nucleotide variant.
Coding change: c.520C>G on transcript NM_001987.5 (MANE Select); coding-DNA position 520, C replaced by G.
Protein change: p.Pro174Ala; replaces proline 174 with alanine.
Molecular consequence: missense variant.
Genome position (GRCh38, 1-based): chr12:11,869,480, C>G. VCF-style: chr12-11869480-C-G. GRCh37 (hg19) VCF-style: chr12-12022414-C-G.
Other names: c.517C>G, p.Pro173Ala (NM_001413913.1); c.493C>G, p.Pro165Ala (NM_001413914.1); c.256C>G, p.Pro86Ala (NM_001413915.1); c.520C>G, p.Pro174Ala (NM_001413916.1, NM_001413917.1); short protein forms P173A, P86A, P174A, P165A.
Identifiers: ClinVar variation 4020050 (VCV004020050.1).